The following is an entry in ClinVar:

ClinVar aggregate classification (germline): Uncertain significance. Review status: criteria provided, multiple submitters, no conflicts (2 of 4 stars). 2 submissions from 2 submitters: Uncertain significance (2). Last evaluated 2024-06-30.

Conditions:
Joubert syndrome. Also called: JOUBERT-BOLTSHAUSER SYNDROME; Familial aplasia of the vermis. Identifiers: Orphanet 475, MedGen C5979921, MONDO:0018772.
Orofaciodigital syndrome I (OFD1). Also called: OFDS I; Papillon-Leage and Psaume Syndrome; Oral-Facial-Digital Syndrome Type I. Identifiers: Orphanet 2750, MedGen C1510460, MONDO:0010702, OMIM 311200.
Primary ciliary dyskinesia. Also called: Ciliary dyskinesia. Identifiers: Orphanet 244, MedGen C0008780, MONDO:0016575, HP:0012265.

Allele frequency attached by ClinVar (database versions not stated): TOPMed below 0.00001; gnomAD 0.00001.
gnomAD v4.1: 1 of 1,186,461 alleles (0.000084%); highest among the groups gnomAD compares: Non-Finnish European, 0.00011%; no homozygotes.

Submissions (2):

Labcorp Genetics (formerly Invitae), Labcorp
Classification: Uncertain significance for Orofaciodigital syndrome I; Joubert syndrome. Last evaluated: 2024-06-30. Review status: criteria provided, single submitter. Criteria: Invitae Variant Classification Sherloc (09022015). Collection method: clinical testing. Allele origin: germline.
Comment: This sequence change replaces glutamic acid, which is acidic and polar, with aspartic acid, which is acidic and polar, at codon 694 of the OFD1 protein (p.Glu694Asp). This variant is not present in population databases (gnomAD no frequency). This variant has not been reported in the literature in individuals affected with OFD1-related conditions. ClinVar contains an entry for this variant (Variation ID: 1785589). Advanced modeling of protein sequence and biophysical properties (such as structural, functional, and spatial information, amino acid conservation, physicochemical variation, residue mobility, and thermodynamic stability) performed at Invitae indicates that this missense variant is not expected to disrupt OFD1 protein function with a negative predictive value of 80%. In summary, the available evidence is currently insufficient to determine the role of this variant in disease. Therefore, it has been classified as a Variant of Uncertain Significance.

Ambry Genetics
Classification: Uncertain significance for Primary ciliary dyskinesia. Last evaluated: 2015-05-18. Review status: criteria provided, single submitter. Criteria: Ambry Variant Classification Scheme 2023. Collection method: clinical testing. Allele origin: germline.
Comment: The p.E694D variant (also known as c.2082G>C), located in coding exon 16 of the OFD1 gene, results from a G to C substitution at nucleotide position 2082. The glutamic acid at codon 694 is replaced by aspartic acid, an amino acid with highly similar properties. This variant was not reported in population based cohorts in the following databases: Database of Single Nucleotide Polymorphisms (dbSNP), NHLBI Exome Sequencing Project (ESP), and 1000 Genomes Project. In the ESP, this variant was not observed in 6503 samples with coverage at this position. This amino acid position is not well conserved in available vertebrate species. In addition, this alteration is predicted to be tolerated by in silico analysis. Since supporting evidence is limited at this time, the clinical significance of this variant remains unclear.

NM_003611.3(OFD1):c.2082G>C (p.Glu694Asp)

Gene: OFD1 (OFD1 centriole and centriolar satellite protein; plus strand). Cytogenetic location: Xp22.2.
Variant type: single nucleotide variant.
Coding change: c.2082G>C on transcript NM_003611.3 (MANE Select); coding-DNA position 2082, G replaced by C.
Protein change: p.Glu694Asp; replaces glutamic acid 694 with aspartic acid.
Molecular consequence: missense variant.
Genome position (GRCh38, 1-based): chrX:13,760,542, G>C. VCF-style: chrX-13760542-G-C. GRCh37 (hg19) VCF-style: chrX-13778661-G-C.
Other names: c.1962G>C, p.Glu654Asp (NM_001330209.2); c.1662G>C, p.Glu554Asp (NM_001330210.2); short protein forms E554D, E654D, E694D.
Identifiers: ClinVar variation 1785589 (VCV001785589.5), dbSNP rs1336595000, ClinGen allele CA412344477.